The following is an entry in ClinVar:

ClinVar aggregate classification (germline): Uncertain significance (1 of 4 stars; one submission).

Conditions:
Brugada syndrome. Also called: Sudden unexpected nocturnal death syndrome; Sudden unexplained nocturnal death syndrome; Sudden Unexplained Death Syndrome; Sudden Unexplained Nocturnal Death Syndrome (SUNDS). Identifiers: Orphanet 130, MedGen C1142166, MONDO:0015263.

Allele frequency attached by ClinVar (database versions not stated): gnomAD exomes below 0.00001.

Submission:

Labcorp Genetics (formerly Invitae), Labcorp
Classification: Uncertain significance for Brugada syndrome. Last evaluated: 2019-08-23. Review status: criteria provided, single submitter. Criteria: Invitae Variant Classification Sherloc (09022015). Collection method: clinical testing. Allele origin: germline.
Comment: This sequence change replaces alanine with threonine at codon 153 of the CACNA2D1 protein (p.Ala153Thr). The alanine residue is weakly conserved and there is a small physicochemical difference between alanine and threonine. This variant is not present in population databases (ExAC no frequency). This variant has not been reported in the literature in individuals with CACNA2D1-related disease. Algorithms developed to predict the effect of missense changes on protein structure and function (SIFT, PolyPhen-2, Align-GVGD) all suggest that this variant is likely to be tolerated, but these predictions have not been confirmed by published functional studies and their clinical significance is uncertain. In summary, the available evidence is currently insufficient to determine the role of this variant in disease. Therefore, it has been classified as a Variant of Uncertain Significance.

NM_000722.4(CACNA2D1):c.457G>A (p.Ala153Thr)

Gene: CACNA2D1 (calcium voltage-gated channel auxiliary subunit alpha2delta 1; minus strand). Cytogenetic location: 7q21.11.
Variant type: single nucleotide variant.
Coding change: c.457G>A on transcript NM_000722.4 (MANE Select); coding-DNA position 457, G replaced by A.
Protein change: p.Ala153Thr; replaces alanine 153 with threonine.
Molecular consequence: missense variant.
Genome position (GRCh38, 1-based): chr7:82,117,113, C>T on the plus strand (G>A on the coding strand, the complement: CACNA2D1 is on the minus strand). VCF-style: chr7-82117113-C-T. GRCh37 (hg19) VCF-style: chr7-81746429-C-T.
Other names: c.457G>A, p.Ala153Thr (NM_001302890.2, NM_001366867.1); short protein forms A153T.
Identifiers: ClinVar variation 578771 (VCV000578771.2), dbSNP rs1163800062, ClinGen allele CA368017101.